The following is an entry in ClinVar:

NM_170606.3(KMT2C):c.9862C>G (p.Pro3288Ala)

Gene: KMT2C (lysine methyltransferase 2C; minus strand). Cytogenetic location: 7q36.1.
Variant type: single nucleotide variant.
Coding change: c.9862C>G on transcript NM_170606.3 (MANE Select); coding-DNA position 9862, C replaced by G.
Protein change: p.Pro3288Ala; replaces proline 3288 with alanine.
Molecular consequence: missense variant.
Genome position (GRCh38, 1-based): chr7:152,163,715, G>C on the plus strand (C>G on the coding strand, the complement: KMT2C is on the minus strand). VCF-style: chr7-152163715-G-C. GRCh37 (hg19) VCF-style: chr7-151860800-G-C.
Other names: short protein forms P3288A.
Identifiers: ClinVar variation 3661496 (VCV003661496.2).

ClinVar aggregate classification (germline): Uncertain significance (1 of 4 stars; one submission).

gnomAD v4.1: 4 of 1,614,134 alleles (0.00025%); highest among the groups gnomAD compares: South Asian, 0.0044%; no homozygotes.

Submission:

Labcorp Genetics (formerly Invitae), Labcorp
Classification: Uncertain significance. Last evaluated: 2024-08-12. Review status: criteria provided, single submitter. Criteria: Invitae Variant Classification Sherloc (09022015). Collection method: clinical testing. Allele origin: germline.
Comment: This sequence change replaces proline, which is neutral and non-polar, with alanine, which is neutral and non-polar, at codon 3288 of the KMT2C protein (p.Pro3288Ala). This variant is not present in population databases (gnomAD no frequency). This variant has not been reported in the literature in individuals affected with KMT2C-related conditions. Advanced modeling of protein sequence and biophysical properties (such as structural, functional, and spatial information, amino acid conservation, physicochemical variation, residue mobility, and thermodynamic stability) performed at Invitae indicates that this missense variant is not expected to disrupt KMT2C protein function with a negative predictive value of 80%. In summary, the available evidence is currently insufficient to determine the role of this variant in disease. Therefore, it has been classified as a Variant of Uncertain Significance.